The following is an entry in ClinVar:

ClinVar aggregate classification (germline): Pathogenic (1 of 4 stars; one submission).

Submission:

Labcorp Genetics (formerly Invitae), Labcorp
Classification: Pathogenic. Last evaluated: 2022-06-12. Review status: criteria provided, single submitter. Criteria: Invitae Variant Classification Sherloc (09022015). Collection method: clinical testing. Allele origin: germline.
Comment: For these reasons, this variant has been classified as Pathogenic. This variant has not been reported in the literature in individuals affected with NPHS1-related conditions. This variant is not present in population databases (gnomAD no frequency). This sequence change creates a premature translational stop signal (p.Leu71Argfs*57) in the NPHS1 gene. It is expected to result in an absent or disrupted protein product. Loss-of-function variants in NPHS1 are known to be pathogenic (PMID: 11317351, 11854170, 12039988).

Literature cited by the submitters: PubMed 11317351; PubMed 11854170; PubMed 12039988.

NM_004646.4(NPHS1):c.212del (p.Leu71fs)

Genes: KIRREL2 (kirre like nephrin family adhesion molecule 2; plus strand), NPHS1 (NPHS1 adhesion molecule, nephrin; minus strand). Cytogenetic location: 19q13.12.
Variant type: Deletion.
Coding change: c.212del on transcript NM_004646.4 (MANE Select); coding-DNA position 212, one base deleted (T; older notation c.212delT).
Protein change: p.Leu71fs; shifts the reading frame from leucine 71.
Molecular consequence: frameshift variant.
Genome position (GRCh38, 1-based): chr19:35,851,519, A deleted on the plus strand (T on the coding strand, the reverse complement: NPHS1 is on the minus strand). VCF-style (leftmost placement, unchanged base first): chr19-35851518-CA-C. GRCh37 (hg19) VCF-style: chr19-36342420-CA-C.
Other names: short protein forms L71fs.
Identifiers: ClinVar variation 2000361 (VCV002000361.4), dbSNP rs2513785791, ClinGen allele CA2580096903.